The following is an entry in ClinVar:

NM_015289.5(VPS39):c.2522G>T (p.Cys841Phe)

Gene: VPS39 (VPS39 subunit of HOPS complex; minus strand). Cytogenetic location: 15q15.1.
Variant type: single nucleotide variant.
Coding change: c.2522G>T on transcript NM_015289.5 (MANE Select); coding-DNA position 2522, G replaced by T.
Protein change: p.Cys841Phe; replaces cysteine 841 with phenylalanine.
Molecular consequence: missense variant.
Genome position (GRCh38, 1-based): chr15:42,161,712, C>A on the plus strand (G>T on the coding strand, the complement: VPS39 is on the minus strand). VCF-style: chr15-42161712-C-A. GRCh37 (hg19) VCF-style: chr15-42453910-C-A.
Other names: c.2555G>T, p.Cys852Phe (NM_001301138.3); short protein forms C841F, C852F.
Identifiers: ClinVar variation 2692455 (VCV002692455.1), dbSNP rs750080634, ClinGen allele CA391991402.
Genomic context (GRCh38, chr15:42,161,712, plus strand): 5'-AGATGCCACACAGGTGTGAAGGAGGCTCACCTGTTCCCAATCTTCTTCTTACACACCATG[C>A]ACACCTTCTCCTCTGTGATGATGCACTTCACCTGCTGGTGTAAAATCCGCTCTTCCTGGA-3'
Protein context (NP_056104.2, residues 831-851): VKCIITEEKV[Cys841Phe]MVCKKKIGNS

ClinVar aggregate classification (germline): Uncertain significance (1 of 4 stars; one submission).

Submission:

Greenwood Genetic Center Diagnostic Laboratories, Greenwood Genetic Center
Classification: Uncertain significance. Last evaluated: 2023-11-09. Review status: criteria provided, single submitter. Criteria: ACMG Guidelines, 2015. Collection method: clinical testing. Allele origin: germline. Affected: yes.
Comment: Gene of Uncertain Significance